The following is an entry in ClinVar:

ClinVar aggregate classification (germline): Likely pathogenic (1 of 4 stars; one submission).

Conditions:
Niemann-Pick disease, type C1. Also called: NEUROVISCERAL STORAGE DISEASE WITH VERTICAL SUPRANUCLEAR OPHTHALMOPLEGIA; NIEMANN-PICK DISEASE WITH CHOLESTEROL ESTERIFICATION BLOCK; NIEMANN-PICK DISEASE WITHOUT SPHINGOMYELINASE DEFICIENCY; NIEMANN-PICK DISEASE, CHRONIC NEURONOPATHIC FORM; NIEMANN-PICK DISEASE, VARIANT TYPE C1. Identifiers: Orphanet 646, MedGen C3179455, MONDO:0009757, OMIM 257220.

Submission:

Laboratory of Inherited Metabolic Diseases, Research centre for medical genetics
Classification: Likely pathogenic for Niemann-Pick disease, type C1. Last evaluated: 2020-12-07. Review status: criteria provided, single submitter. Criteria: ACMG Guidelines, 2015. Collection method: research, in vitro, in vivo. Allele origin: germline, not applicable. Inheritance: Autosomal recessive inheritance. Affected: yes. Observed: 4 compound heterozygotes. Clinical features observed: cerebellar ataxia, dysarthria with syllable speech, bilateral hearing loss, vertical supranuclear gaze palsy, dysmetria, cervical dystonia, MRI: diffuse cerebral and cerebellar atrophy, psychiatric symptoms: cognitive decline, memory loss for current events, decrease in the volume of psycho-speech memory, amnestic difficulties in speech, ear noise, and 4 more. Functional consequence: cryptic splice donor activation. Segregation with disease observed.
Comment: ACMG Guidelines, 2015 criteria: PS3, PM2, PM3, PP4

NM_000271.5(NPC1):c.[2727C>T;2793C>T]

Variant type: Haplotype.
Identifiers: ClinVar variation 867233 (VCV000867233.7).